The following is an entry in ClinVar:

NM_017852.5(NLRP2):c.1068G>A (p.Val356=)

Gene: NLRP2 (NLR family pyrin domain containing 2; plus strand). Cytogenetic location: 19q13.42.
Variant type: single nucleotide variant.
Coding change: c.1068G>A on transcript NM_017852.5 (MANE Select); coding-DNA position 1068, G replaced by A.
Protein change: p.Val356=; no amino-acid change (valine 356 retained).
Molecular consequence: synonymous variant. On other transcripts: non-coding transcript variant (1).
Genome position (GRCh38, 1-based): chr19:54,982,766, G>A. VCF-style: chr19-54982766-G-A. GRCh37 (hg19) VCF-style: chr19-55494134-G-A.
Other names: c.1068G>A, p.Val356= (NM_001174081.3); c.1002G>A, p.Val334= (NM_001174082.3); c.999G>A, p.Val333= (NM_001174083.2); c.1059G>A, p.Val353= (NM_001348003.2).
Identifiers: ClinVar variation 3055224 (VCV003055224.2), dbSNP rs1433466621, ClinGen allele CA883732341.

ClinVar aggregate classification (germline): Likely benign (0 of 4 stars; one submission).

Conditions:
NLRP2-related disorder. Also called: NLRP2-related condition.

Allele frequency attached by ClinVar (database versions not stated): gnomAD exomes below 0.00001; gnomAD 0.00001; TOPMed 0.00001.
gnomAD v4.1: 10 of 1,614,036 alleles (0.00062%); highest among the groups gnomAD compares: Non-Finnish European, 0.00068%; no homozygotes.

Submission:

PreventionGenetics, part of Exact Sciences
Classification: Likely benign for NLRP2-related condition. Last evaluated: 2020-03-30. Review status: no assertion criteria provided. Collection method: clinical testing. Allele origin: germline.
Comment: This variant is classified as likely benign based on ACMG/AMP sequence variant interpretation guidelines (Richards et al. 2015 PMID: 25741868, with internal and published modifications).